The following is an entry in ClinVar:

ClinVar aggregate classification (germline): Pathogenic. Review status: criteria provided, multiple submitters, no conflicts (2 of 4 stars). 2 submissions from 2 submitters: Pathogenic (2). Last evaluated 2023-02-22.

Conditions:
Arginase deficiency. Also called: ARGININEMIA; ARG1 DEFICIENCY; Arginase 1 Deficiency. Identifiers: Orphanet 90, MedGen C0268548, MONDO:0008814, OMIM 207800.

Submissions (2):

GeneDx
Classification: Pathogenic. Last evaluated: 2023-02-22. Review status: criteria provided, single submitter. Criteria: GeneDx Variant Classification Process June 2021. Collection method: clinical testing. Allele origin: germline. Affected: yes.
Comment: Canonical splice site variant predicted to result in a null allele in a gene for which loss of function is a known mechanism of disease; Not observed at significant frequency in large population cohorts (gnomAD); This variant is associated with the following publications: (PMID: 29726057, 27038030)

Labcorp Genetics (formerly Invitae), Labcorp
Classification: Pathogenic for Arginase deficiency. Last evaluated: 2022-12-13. Review status: criteria provided, single submitter. Criteria: Invitae Variant Classification Sherloc (09022015). Collection method: clinical testing. Allele origin: germline.
Comment: This variant is not present in population databases (gnomAD no frequency). This sequence change affects a donor splice site in intron 2 of the ARG1 gene. It is expected to disrupt RNA splicing. Variants that disrupt the donor or acceptor splice site typically lead to a loss of protein function (PMID: 16199547), and loss-of-function variants in ARG1 are known to be pathogenic (PMID: 7649538, 12052859). Disruption of this splice site has been observed in individual(s) with arginase deficiency (PMID: 27038030). For these reasons, this variant has been classified as Pathogenic. Algorithms developed to predict the effect of sequence changes on RNA splicing suggest that this variant may disrupt the consensus splice site. ClinVar contains an entry for this variant (Variation ID: 1427598).

Literature cited by the submitters: PubMed 16199547 (cited by Labcorp Genetics (formerly Invitae), Labcorp); PubMed 7649538 (cited by Labcorp Genetics (formerly Invitae), Labcorp); PubMed 12052859 (cited by Labcorp Genetics (formerly Invitae), Labcorp); PubMed 27038030 (cited by Labcorp Genetics (formerly Invitae), Labcorp).

NM_000045.4(ARG1):c.130+1G>A

Genes: ARG1 (arginase 1; plus strand), MED23 (mediator complex subunit 23; minus strand). Cytogenetic location: 6q23.2.
Variant type: single nucleotide variant.
Coding change: c.130+1G>A on transcript NM_000045.4 (MANE Select); the canonical splice donor site of the intron after coding-DNA position 130, G replaced by A.
Molecular consequence: splice donor variant. On other transcripts: intron variant (2).
Genome position (GRCh38, 1-based): chr6:131,576,736, G>A. VCF-style: chr6-131576736-G-A. GRCh37 (hg19) VCF-style: chr6-131897876-G-A.
Other names: c.130+1G>A (NM_001244438.2, NM_001369020.1); c.4078-2441C>T (NM_001270521.2); c.4096-2441C>T (NM_015979.4).
Identifiers: ClinVar variation 1427598 (VCV001427598.8), dbSNP rs113767658, ClinGen allele CA147891195.
Genomic context (GRCh38, chr6:131,576,736, plus strand): 5'-TGGAAGAAGGCCCTACAGTATTGAGAAAGGCTGGTCTGCTTGAGAAACTTAAAGAACAAG[G>A]TAATTTTTAAGTTGAAAAATGATCAGCCTGATTTCCTCCCCACTCTGAAGGAAAGAGCAG-3'